The following is an entry in ClinVar:

NM_004168.4(SDHA):c.1A>G (p.Met1Val)

Gene: SDHA (succinate dehydrogenase complex flavoprotein subunit A; plus strand). Cytogenetic location: 5p15.33.
Variant type: single nucleotide variant.
Coding change: c.1A>G on transcript NM_004168.4 (MANE Select); coding-DNA position 1, A replaced by G.
Protein change: p.Met1Val; changes the start codon (methionine 1).
Molecular consequence: missense variant, initiator codon variant.
Genome position (GRCh38, 1-based): chr5:218,356, A>G. VCF-style: chr5-218356-A-G. GRCh37 (hg19) VCF-style: chr5-218471-A-G.
Other names: c.1A>G, p.Met1Val (NM_001294332.2, NM_001330758.2); short protein forms M1V.
Identifiers: ClinVar variation 239661 (VCV000239661.34), dbSNP rs1061517, ClinGen allele CA3172674.

ClinVar aggregate classification (germline): Pathogenic/Likely pathogenic. Review status: criteria provided, multiple submitters, no conflicts (2 of 4 stars). 11 submissions from 11 submitters: Pathogenic (6); Likely pathogenic (5). Last evaluated 2026-03-01.

Conditions:
SDHA-related disorder. Also called: SDHA-related disorders; SDHA-related condition.
Hereditary cancer-predisposing syndrome. Also called: Hereditary neoplastic syndrome; Hereditary Cancer Syndrome; Neoplastic Syndromes, Hereditary; Tumor predisposition. Identifiers: Orphanet 140162, MedGen C0027672, MeSH D009386, MONDO:0015356.
Mitochondrial complex II deficiency, nuclear type 1. Also called: SUCCINATE CoQ REDUCTASE DEFICIENCY. Identifiers: Orphanet 3208, MedGen C5700310, MONDO:0100294, OMIM 252011.
Pheochromocytoma/paraganglioma syndrome 5. Also called: Paragangliomas 5; SDHA-Related Hereditary Paraganglioma-Pheochromocytoma Syndrome. Identifiers: Orphanet 29072, MedGen C3279992, MONDO:0013602, OMIM 614165.

Allele frequency attached by ClinVar (database versions not stated): gnomAD exomes 0.00001; ExAC 0.00002; TOPMed 0.00003; gnomAD 0.00013.

Submissions (11):

CeGaT Center for Human Genetics Tuebingen
Classification: Likely pathogenic. Last evaluated: 2026-03-01. Review status: criteria provided, single submitter. Criteria: CeGaT Center For Human Genetics Tuebingen Variant Classification Criteria Version 2. Collection method: clinical testing. Allele origin: germline. Affected: yes. Observed: 1 variant allele.
Comment: SDHA: PS4, PS1:Moderate, PVS1:Moderate, PM2:Supporting

Labcorp Genetics (formerly Invitae), Labcorp
Classification: Pathogenic for Pheochromocytoma/paraganglioma syndrome 5; Mitochondrial complex II deficiency, nuclear type 1. Last evaluated: 2026-02-02. Review status: criteria provided, single submitter. Criteria: Invitae Variant Classification Sherloc (09022015). Collection method: clinical testing. Allele origin: germline.
Comment: This sequence change affects the initiator codon of the SDHA mRNA. This change may impact translation initiation or efficiency. The next in-frame methionine is located at codon 114. This variant is present in population databases (rs1061517, gnomAD 0.02%). Disruption of the initiator codon has been observed in individuals with autosomal dominant gastrointestinal stromal tumor syndrome, autosomal dominant paraganglioma-pheochromocytoma syndrome (PMID: 26722403, 28384794, 29625052, 30068732), and/or autosomal recessive mitochondrial complex II deficiency (PMID: 10746566, 26334176). ClinVar contains an entry for this variant (Variation ID: 239661). This variant disrupts the N-terminal part of the SDHA protein, which is important for FAD binding (PMID: 25488574, 15989954, 21858060). While functional studies have not been performed to directly test the effect of this variant on SDHA protein function, this suggests that disruption of this region of the protein is causative of disease. For these reasons, this variant has been classified as Pathogenic.

Ambry Genetics
Classification: Pathogenic for Hereditary cancer-predisposing syndrome. Last evaluated: 2025-09-17. Review status: criteria provided, single submitter. Criteria: Ambry Variant Classification Scheme 2023. Collection method: clinical testing. Allele origin: germline.
Comment: The p.M1? pathogenic mutation (also known as c.1A>G), located in coding exon 1 of the SDHA gene, results from an A to G substitution at nucleotide position 1. This alters the methionine residue at the initiation codon (ATG). There is an in-frame methionine 114 amino acids downstream from this initiation site which may result in an N-terminal truncation; however, direct evidence is unavailable. This alteration has been reported in at least one individual with Leigh syndrome (Baskovich B et al. Genet. Med. 2016 05;18:522-8). A different variant altering the methionine residue (c.1A>C) has been observed in an individual with Leigh syndrome who also carried a functionally deleterious SDHA alteration in trans, as well as in individuals with paraganglioma and gastrointestinal stromal tumor (GIST) (Parfait B et al. Hum. Genet. 2000 Feb;106:236-43; Bausch B et al. JAMA Oncol. 2017 Sep;3(9):1204-1212; Carrera S et al. Hered. Cancer Clin. Pract. 2019 Aug;17:23). In addition to the clinical data presented in the literature, sequence variations that modify the initiation codon are expected to result in either loss of translation initiation, N-terminal truncation, or cause a shift in the mRNA reading frame. Based on the supporting evidence, this alteration is interpreted as a disease-causing mutation.

Blueprint Genetics
Classification: Likely pathogenic for SDHA-related disorders. Last evaluated: 2024-11-20. Review status: criteria provided, single submitter. Criteria: ACMG Guidelines, 2015. Collection method: clinical testing. Allele origin: germline. Affected: yes. Observed: 2 variant alleles.

Myriad Genetics, Inc.
Classification: Pathogenic for Pheochromocytoma/paraganglioma syndrome 5. Last evaluated: 2024-02-06. Review status: criteria provided, single submitter. Criteria: Myriad Autosomal Dominant, Autosomal Recessive and X-Linked Classification Criteria (2023). Collection method: clinical testing. Allele origin: unknown.
Comment: This variant is considered pathogenic. This variant is located within the gene translation start codon (p.Met1?) and is predicted to result in abnormal protein translation. This variant has been reported in multiple individuals with clinical features of gene-specific disease [PMID: 35014173, 28384794, 10746566, 26722403, 32971818].

Victorian Clinical Genetics Services, Murdoch Childrens Research Institute
Classification: Pathogenic for Pheochromocytoma/paraganglioma syndrome 5. Last evaluated: 2023-12-21. Review status: criteria provided, single submitter. Criteria: ACMG Guidelines, 2015. Collection method: clinical testing. Allele origin: germline. Inheritance: Autosomal dominant inheritance.
Comment: Based on the classification scheme VCGS_Germline_v1.3.4, this variant is classified as Pathogenic. Following criteria are met: 0102 - Loss of function is a known mechanism of disease in this gene and is associated with SDHA-related disorders (MIM#613642, MIM#252011, MIM#619259, MIM#614165) . (I) 0108 - This gene is associated with both recessive and dominant disease (OMIM). (I) 0112 - The condition associated with this gene has incomplete penetrance. Variants in this gene are known to have reduced penetrance for paragangliomas 5 (PMID: 29978154). (I) 0206 - Variant is predicted to result in a loss of the canonical translation initiation codon (ATG). (SP) 0251 - This variant is heterozygous. (I) 0304 - Variant is present in gnomAD <0.01 (v2 and v3: 16 heterozygotes, 0 homozygotes). (SP) 0311 - Multiple alternative nucleotide changes at the same initiation codon have been observed in gnomAD (v3) (highest allele count: 2 heterozygotes, 0 homozygotes). (I) 0701 - Other canonical translation initiation codon variants comparable to the one identified in this case have very strong previous evidence for pathogenicity. Seven variants affecting the canonical translation initiation codon have been observed in heterozygous or compound heterozygous states in multiple individuals with paragangliomas 5 (MIM#614165) and mitochondrial respiratory chain complex II deficiency (MIM#252011) respectively (ClinVar, PMIDs: 10746566, 26722403, 31413764). (SP) 0801 - This variant has strong previous evidence of pathogenicity in unrelated individuals. This variant has been reported multiple times in association with paragangliomas. In addition, it has also been reported in a compound heterozygous state in an individual with Leigh syndrome (ClinVar, PMID: 35014173). (I) Legend: (SP) - Supporting pathogenic, (I) - Information, (SB) - Supporting benign

Illumina Laboratory Services, Illumina
Classification: Likely pathogenic for Pheochromocytoma/paraganglioma syndrome 5. Last evaluated: 2022-06-15. Review status: criteria provided, single submitter. Criteria: ICSLVariantClassificationCriteria RUGD 01 April 2020. Collection method: clinical testing. Allele origin: unknown.
Comment: The SDHA c.1A>G (p.Met1?) variant alters the initiator methionine amino acid and the resultant protein is described as p.Met1? to denote that whether the loss of the methionine at codon 1 prevents all protein translation or causes abnormal protein formation from an alternate methionine is unknown. This variant has been reported in a heterozygous state in an individual with pheochromocytoma (Davidoff et al. 2021) as well as individuals with bladder cancer (Dubart Gault et al. 2018; Carlo et al. 2020) and melanoma (Huang et al. 2018; Aoude et al. 2020). It has also been identified as a somatic variant in a tumor sample from an individual with a carotid paraganglioma (Snezhkina et al. 2020). In addition, the c.1A>G variant was identified in at least two individuals with an autosomal recessive mitochondrial disorder (Baskovich et al. 2016; Han et al. 2019; Yang et al. 2022). Different nucleotide changes that also disrupt the initiation codon, c.1A>C, c.1A>T, c.2T>C, c.2T>G, and c.3G>C, have been reported in individuals with adrenal paraganglioma, carotid paraganglioma, gastrointestinal stromal tumors, or autosomal recessive Leigh syndrome (Parfait et al. 2000; Jiang et al. 2015; Bausch et al. 2017; Carrera et al. 2019). The c.1A>G variant is reported in the Genome Aggregation Database in three alleles at a frequency of 0.000044 in the European (non-Finnish) population (version 3.1.2). Mutagenesis studies using breast cancer cell lines expressing c.1A>G variant and wild-type cDNA showed decreased protein levels and increased accumulation of metabolites in the presence of the variant. The succinate to fumarate ratio was not significantly different from wild-type in the cell lines expressing the variant (Dubart Gault et al. 2018), but a sample from the resected pheochromocytoma from the individual with a germline c.1A>G variant did show an increased succinate to fumarate ratio as well as absent immunohistochemical staining for succinate dehydrogenase subunits A and B (Davidoff et al. 2021). Based on the available evidence, the c.1A>G (p.Met1?) variant is classified as likely pathogenic for hereditary paraganglioma-pheochromocytoma syndrome.

GeneDx
Classification: Pathogenic. Last evaluated: 2022-01-04. Review status: criteria provided, single submitter. Criteria: GeneDx Variant Classification Process June 2021. Collection method: clinical testing. Allele origin: germline. Affected: yes.
Comment: Initiation codon variant in a gene for which loss-of-function is a known mechanism of disease; This variant is associated with the following publications: (PMID: 26334176, 30877234, 31665838, 29625052, 32971818, 32676327, 30068732, 33077847, Davidoff2021[Case Report])

Institute for Clinical Genetics, University Hospital TU Dresden, University Hospital TU Dresden
Classification: Likely pathogenic. Last evaluated: 2021-11-03. Review status: criteria provided, single submitter. Criteria: ACMG Guidelines, 2015. Collection method: clinical testing. Allele origin: germline.

Department of Pediatrics, Memorial Sloan Kettering Cancer Center
Classification: Pathogenic for Pheochromocytoma/paraganglioma syndrome 5. Last evaluated: 2018-06-06. Review status: criteria provided, single submitter. Criteria: ACMG Guidelines, 2015. Collection method: clinical testing. Allele origin: germline. Inheritance: Autosomal dominant inheritance. Affected: yes.
Comment: While this genomic alteration meets ACMG criteria as pathogenic, additional features suggest this variant was driving the bladder cancer in the patient it was detected are lacking. A second hit was not observed in SDHA in the tumor and SDHA/B staining were retained in the tumor sample.

Juno Genomics, Hangzhou Juno Genomics, Inc
Classification: Likely pathogenic for Pheochromocytoma/paraganglioma syndrome 5. Review status: criteria provided, single submitter. Criteria: ACMG Guidelines, 2015. Collection method: clinical testing. Allele origin: germline.
Comment: Absent from controls (or at extremely low frequency if recessive) in Genome Aggregation Database.;Null variant in a gene where loss of function (LOF) is a known mechanism of disease.;The prevalence of the variant in affected individuals is significantly increased compared to the prevalence in controls.;Patient's phenotype or family history is highly specific for a disease with a single genetic etiology.

Literature cited by the submitters: PubMed 26722403 (cited by 4 submitters); PubMed 28384794 (cited by 3 submitters); PubMed 29625052 (cited by Labcorp Genetics (formerly Invitae), Labcorp and Illumina Laboratory Services, Illumina); PubMed 30068732 (cited by Labcorp Genetics (formerly Invitae), Labcorp and Illumina Laboratory Services, Illumina); PubMed 10746566 (cited by 5 submitters); PubMed 26334176 (cited by 3 submitters); PubMed 25488574 (cited by Labcorp Genetics (formerly Invitae), Labcorp); PubMed 15989954 (cited by Labcorp Genetics (formerly Invitae), Labcorp); PubMed 21858060 (cited by Labcorp Genetics (formerly Invitae), Labcorp); PubMed 35014173 (cited by 3 submitters); PubMed 32971818 (cited by Myriad Genetics, Inc. and Illumina Laboratory Services, Illumina); PubMed 29978154 (cited by Victorian Clinical Genetics Services, Murdoch Childrens Research Institute); PubMed 31413764 (cited by Victorian Clinical Genetics Services, Murdoch Childrens Research Institute and Illumina Laboratory Services, Illumina); PubMed 31665838 (cited by Illumina Laboratory Services, Illumina); PubMed 31794323 (cited by Illumina Laboratory Services, Illumina); PubMed 32461654 (cited by Illumina Laboratory Services, Illumina); PubMed 33077847 (cited by Illumina Laboratory Services, Illumina).